The following is an entry in ClinVar:

NM_006180.6(NTRK2):c.618C>T (p.Leu206=)

Gene: NTRK2 (neurotrophic receptor tyrosine kinase 2; plus strand). Cytogenetic location: 9q21.33.
Variant type: single nucleotide variant.
Coding change: c.618C>T on transcript NM_006180.6 (MANE Select); coding-DNA position 618, C replaced by T.
Protein change: p.Leu206=; no amino-acid change (leucine 206 retained).
Molecular consequence: synonymous variant.
Genome position (GRCh38, 1-based): chr9:84,723,607, C>T. VCF-style: chr9-84723607-C-T. GRCh37 (hg19) VCF-style: chr9-87338522-C-T.
Other names: c.618C>T, p.Leu206= (NM_001007097.3, NM_001018064.3, NM_001018065.2 and 18 more transcripts); c.150C>T, p.Leu50= (NM_001369535.1, NM_001369536.1, NM_001369550.1 and 2 more transcripts); c.618C>T (NM_006180.4).
Identifiers: ClinVar variation 3675980 (VCV003675980.3).

ClinVar aggregate classification (germline): Likely benign. Review status: criteria provided, multiple submitters, no conflicts (2 of 4 stars). 2 submissions from 2 submitters: Likely benign (2). Last evaluated 2025-02-04.

Conditions:
NTRK2-related disorder. Also called: NTRK2-related condition.

gnomAD v4.1: 1 of 1,614,026 alleles (0.000062%); highest among the groups gnomAD compares: African/African-American, 0.0013%; no homozygotes.

Submissions (2):

PreventionGenetics, part of Exact Sciences
Classification: Likely benign for NTRK2-related condition. Last evaluated: 2025-02-04. Review status: criteria provided, single submitter. Criteria: ACMG Guidelines, 2015. Collection method: clinical testing. Allele origin: germline.
Comment: This variant is classified as likely benign based on ACMG/AMP sequence variant interpretation guidelines (Richards et al. 2015 PMID: 25741868, with internal and published modifications).

Labcorp Genetics (formerly Invitae), Labcorp
Classification: Likely benign. Last evaluated: 2024-10-31. Review status: criteria provided, single submitter. Criteria: Invitae Variant Classification Sherloc (09022015). Collection method: clinical testing. Allele origin: germline.